The following is an entry in ClinVar:

NM_000095.3(COMP):c.1033G>A (p.Gly345Ser)

Gene: COMP (cartilage oligomeric matrix protein; minus strand). Cytogenetic location: 19p13.11.
Variant type: single nucleotide variant.
Coding change: c.1033G>A on transcript NM_000095.3 (MANE Select); coding-DNA position 1033, G replaced by A.
Protein change: p.Gly345Ser; replaces glycine 345 with serine.
Molecular consequence: missense variant.
Genome position (GRCh38, 1-based): chr19:18,787,593, C>T on the plus strand (G>A on the coding strand, the complement: COMP is on the minus strand). VCF-style: chr19-18787593-C-T. GRCh37 (hg19) VCF-style: chr19-18898402-C-T.
Other names: short protein forms G345S.
Identifiers: ClinVar variation 4736569 (VCV004736569.1).
Genomic context (GRCh38, chr19:18,787,593, plus strand): 5'-CCTGGTCTGTGTCCTTTTGGTCGTCGTTCTTCTGGGACCGGCAGTTGTCGCACGCATCGC[C>T]CCACTTGTCCTCGTCCGTGTTGCGCTGGTCTGGGTTCCGCACCAGCGGGCAGTTGTCCTG-3'
Protein context (NP_000086.2, residues 335-355): DQRNTDEDKW[Gly345Ser]DACDNCRSQK

ClinVar aggregate classification (germline): Uncertain significance (1 of 4 stars; one submission).

Submission:

Labcorp Genetics (formerly Invitae), Labcorp
Classification: Uncertain significance. Last evaluated: 2025-03-12. Review status: criteria provided, single submitter. Criteria: Invitae Variant Classification Sherloc (09022015). Collection method: clinical testing. Allele origin: germline.
Comment: This sequence change replaces glycine, which is neutral and non-polar, with serine, which is neutral and polar, at codon 345 of the COMP protein (p.Gly345Ser). This variant is not present in population databases (gnomAD no frequency). This missense change has been observed in individual(s) with multiple epiphyseal dysplasia (internal data). Invitae Evidence Modeling of protein sequence and biophysical properties (such as structural, functional, and spatial information, amino acid conservation, physicochemical variation, residue mobility, and thermodynamic stability) indicates that this missense variant is expected to disrupt COMP protein function with a positive predictive value of 80%. This variant disrupts the p.Gly345 amino acid residue in COMP. Other variant(s) that disrupt this residue have been observed in individuals with COMP-related conditions (PMID: 24595329), which suggests that this may be a clinically significant amino acid residue. In summary, the available evidence is currently insufficient to determine the role of this variant in disease. Therefore, it has been classified as a Variant of Uncertain Significance.

Literature cited by the submitters: PubMed 24595329.